The following is an entry in ClinVar:

NM_007126.5(VCP):c.1704A>G (p.Gln568=)

Gene: VCP (valosin containing protein; minus strand). Cytogenetic location: 9p13.3.
Variant type: single nucleotide variant.
Coding change: c.1704A>G on transcript NM_007126.5 (MANE Select); coding-DNA position 1704, A replaced by G.
Protein change: p.Gln568=; no amino-acid change (glutamine 568 retained).
Molecular consequence: synonymous variant.
Genome position (GRCh38, 1-based): chr9:35,059,793, T>C on the plus strand (A>G on the coding strand, the complement: VCP is on the minus strand). VCF-style: chr9-35059793-T-C. GRCh37 (hg19) VCF-style: chr9-35059790-T-C.
Other names: p.Gln568=; c.1569A>G, p.Gln523= (NM_001354927.2, NM_001354928.2).
Identifiers: ClinVar variation 260125 (VCV000260125.64), dbSNP rs142577424, ClinGen allele CA5039187.

ClinVar aggregate classification (germline): Benign/Likely benign. Review status: criteria provided, multiple submitters, no conflicts (2 of 4 stars). 15 submissions from 14 submitters: Benign (5); Likely benign (5). 5 of the submissions do not count toward it. Last evaluated 2026-09-01.

Conditions:
Frontotemporal dementia and/or amyotrophic lateral sclerosis 6 (FTDALS6). Also called: VCP-Related Amyotrophic Lateral Sclerosis; VCP-Related Amyotrophic Lateral Sclerosis/Frontotemporal Dementia. Identifiers: Orphanet 275872, Orphanet 803, MedGen C5436279, MONDO:0013501, OMIM 613954.
Inclusion body myopathy with Paget disease of bone and frontotemporal dementia. Also called: Inclusion body myopathy with early-onset Paget disease and frontotemporal dementia. Identifiers: Orphanet 52430, MedGen C1833662, MONDO:0000507.
VCP-related disorder. Also called: VCP-related condition; VCP-related disorders.
Inborn genetic diseases. Identifiers: MedGen C0950123, MeSH D030342.
Inclusion body myopathy with Paget disease of bone and frontotemporal dementia type 1. Also called: Inclusion body myopathy with early-onset Paget disease with or without frontotemporal dementia 1; MULTISYSTEM PROTEINOPATHY 1; Inclusion body myopathy with early-onset Paget disease and frontotemporal dementia 1. Identifiers: MedGen C4551951, MONDO:0008178, OMIM 167320.

Allele frequency attached by ClinVar (database versions not stated): 1000 Genomes Project 0.00200; 1000 Genomes Project 30x 0.00250; ExAC 0.00264; gnomAD exomes 0.00274 and 0.00366; gnomAD 0.00296 and 0.00298; TOPMed 0.00303; ESP Exome Variant Server 0.00408.
gnomAD v4.1: 5,797 of 1,614,084 alleles (0.36%); highest among the groups gnomAD compares: Admixed American, 0.5%; 10 homozygotes.

Submissions (15):

CeGaT Center for Human Genetics Tuebingen
Classification: Likely benign. Last evaluated: 2026-09-01. Review status: criteria provided, single submitter. Criteria: CeGaT Center For Human Genetics Tuebingen Variant Classification Criteria Version 2. Collection method: clinical testing. Allele origin: germline. Affected: yes. Observed: 49 variant alleles.
Comment: VCP: BP4, BP7, BS1

Labcorp Genetics (formerly Invitae), Labcorp
Classification: Benign for Inclusion body myopathy with Paget disease of bone and frontotemporal dementia; Frontotemporal dementia and/or amyotrophic lateral sclerosis 6. Last evaluated: 2026-01-27. Review status: criteria provided, single submitter. Criteria: Invitae Variant Classification Sherloc (09022015). Collection method: clinical testing. Allele origin: germline.

Blueprint Genetics
Classification: Likely benign. Last evaluated: 2024-11-27. Review status: criteria provided, single submitter. Criteria: ACMG Guidelines, 2015. Collection method: clinical testing. Allele origin: germline.

GeneDx
Classification: Likely benign. Last evaluated: 2021-01-27. Review status: criteria provided, single submitter. Criteria: GeneDx Variant Classification Process June 2021. Collection method: clinical testing. Allele origin: germline. Affected: yes.
Comment: This variant is associated with the following publications: (PMID: 22137929, 25618255, 16790606)

Mayo Clinic Laboratories, Mayo Clinic
Classification: Benign. Last evaluated: 2020-12-03. Review status: criteria provided, single submitter. Criteria: ACMG Guidelines, 2015. Collection method: clinical testing. Allele origin: germline. Observed: 18 variant alleles.

Ambry Genetics
Classification: Likely benign for Inborn genetic diseases. Last evaluated: 2019-07-11. Review status: criteria provided, single submitter. Criteria: Ambry Variant Classification Scheme 2023. Collection method: clinical testing. Allele origin: germline.

Athena Diagnostics
Classification: Benign. Last evaluated: 2018-03-14. Review status: criteria provided, single submitter. Criteria: Athena Diagnostics Criteria. Collection method: clinical testing. Allele origin: germline.

Illumina Laboratory Services, Illumina
Classification: Benign for Frontotemporal dementia and/or amyotrophic lateral sclerosis 6. Last evaluated: 2018-01-13. Review status: criteria provided, single submitter. Criteria: ICSL Variant Classification Criteria 13 December 2019. Collection method: clinical testing. Allele origin: germline.
Comment: This variant was observed in the ICSL laboratory as part of a predisposition screen in an ostensibly healthy population. It had not been previously curated by ICSL or reported in the Human Gene Mutation Database (HGMD: prior to June 1st, 2018), and was therefore a candidate for classification through an automated scoring system. Utilizing variant allele frequency, disease prevalence and penetrance estimates, and inheritance mode, an automated score was calculated to assess if this variant is too frequent to cause the disease. Based on the score and internal cut-off values, a variant classified as benign is not then subjected to further curation. The score for this variant resulted in a classification of benign for this disease.

Illumina Laboratory Services, Illumina
Classification: Benign for Inclusion body myopathy with Paget disease of bone and frontotemporal dementia type 1. Last evaluated: 2018-01-13. Review status: criteria provided, single submitter. Criteria: ICSL Variant Classification Criteria 13 December 2019. Collection method: clinical testing. Allele origin: germline.
Comment: the same text as in the submission from Illumina Laboratory Services, Illumina above.

Eurofins Ntd Llc (ga)
Classification: Likely benign. Last evaluated: 2017-04-19. Review status: criteria provided, single submitter. Criteria: EGL Classification Definitions 2015. Collection method: clinical testing. Allele origin: germline. Observed: 1 variant allele, 1 heterozygote.

PreventionGenetics, part of Exact Sciences
Classification: Benign for VCP-related condition. Last evaluated: 2020-03-25. Review status: no assertion criteria provided. Collection method: clinical testing. Allele origin: germline. Not counted in ClinVar's aggregate classification.
Comment: This variant is classified as benign based on ACMG/AMP sequence variant interpretation guidelines (Richards et al. 2015 PMID: 25741868, with internal and published modifications).

Clinical Genetics DNA and cytogenetics Diagnostics Lab, Erasmus MC, Erasmus Medical Center
Classification: Likely benign. Review status: no assertion criteria provided. Collection method: clinical testing. Allele origin: germline. Affected: yes. Study: VKGL Data-share Consensus. Not counted in ClinVar's aggregate classification.

Clinical Genetics, Academic Medical Center
Classification: Benign. Review status: no assertion criteria provided. Collection method: clinical testing. Allele origin: germline. Affected: yes. Study: VKGL Data-share Consensus. Not counted in ClinVar's aggregate classification.

Genome Diagnostics Laboratory, Amsterdam University Medical Center
Classification: Likely benign. Review status: no assertion criteria provided. Collection method: clinical testing. Allele origin: germline. Affected: yes. Study: VKGL Data-share Consensus. Not counted in ClinVar's aggregate classification.

Genome Diagnostics Laboratory, University Medical Center Utrecht
Classification: Likely benign. Review status: no assertion criteria provided. Collection method: clinical testing. Allele origin: germline. Affected: yes. Study: VKGL Data-share Consensus. Not counted in ClinVar's aggregate classification.

Literature cited by the submitters: PubMed 16790606 (cited by Athena Diagnostics); PubMed 22137929 (cited by Athena Diagnostics); PubMed 28130640 (cited by Athena Diagnostics).